The following is an entry in ClinVar:

NM_033337.3(CAV3):c.*811C>G

Genes: CAV3 (caveolin 3; plus strand), OXTR (oxytocin receptor; minus strand). Cytogenetic location: 3p25.3.
Variant type: single nucleotide variant.
Coding change: c.*811C>G on transcript NM_033337.3 (MANE Select); 811 bases downstream of the stop codon, C replaced by G.
Molecular consequence: 3 prime UTR variant.
Genome position (GRCh38, 1-based): chr3:8,746,678, C>G. VCF-style: chr3-8746678-C-G. GRCh37 (hg19) VCF-style: chr3-8788364-C-G.
Other names: c.*715C>G (NM_001234.5).
Identifiers: ClinVar variation 31707 (VCV000031707.10), dbSNP rs10882, ClinGen allele CA215146.

ClinVar aggregate classification (germline): Benign/Likely benign. Review status: criteria provided, multiple submitters, no conflicts (2 of 4 stars). 4 submissions from 4 submitters: Benign (2); Likely benign (1). 1 of the submissions does not count toward it. Last evaluated 2021-05-10.

Conditions:
Caveolinopathy. Identifiers: Orphanet 207078, MedGen C5679790, MONDO:0016146.

Allele frequency attached by ClinVar (database versions not stated): gnomAD exomes 0.33333; TOPMed 0.34500; gnomAD 0.38551 and 0.39333; 1000 Genomes Project 0.32268.
gnomAD v4.1: 51,906 of 134,996 alleles (38%); highest among the groups gnomAD compares: African/African-American, 43%; 9,203 homozygotes.

Submissions (4):

GeneDx
Classification: Benign. Last evaluated: 2021-05-10. Review status: criteria provided, single submitter. Criteria: GeneDx Variant Classification Process June 2021. Collection method: clinical testing. Allele origin: germline. Affected: yes.

Illumina Laboratory Services, Illumina
Classification: Benign for Caveolinopathy. Last evaluated: 2018-01-12. Review status: criteria provided, single submitter. Criteria: ICSL Variant Classification Criteria 13 December 2019. Collection method: clinical testing. Allele origin: germline.
Comment: This variant was observed in the ICSL laboratory as part of a predisposition screen in an ostensibly healthy population. It had not been previously curated by ICSL or reported in the Human Gene Mutation Database (HGMD: prior to June 1st, 2018), and was therefore a candidate for classification through an automated scoring system. Utilizing variant allele frequency, disease prevalence and penetrance estimates, and inheritance mode, an automated score was calculated to assess if this variant is too frequent to cause the disease. Based on the score and internal cut-off values, a variant classified as benign is not then subjected to further curation. The score for this variant resulted in a classification of benign for this disease.

Breakthrough Genomics
Classification: Likely benign. Review status: criteria provided, single submitter. Criteria: ACMG Guidelines, 2015. Collection method: not provided. Allele origin: germline. Inheritance: Autosomal recessive inheritance. Affected: yes.

Leiden Muscular Dystrophy (CAV3)
No classification provided. Last evaluated: 2012-04-15. Review status: no classification provided. Collection method: curation. Allele origin: germline. Not counted in ClinVar's aggregate classification.